The following is an entry in ClinVar:

ClinVar aggregate classification (germline): Uncertain significance (1 of 4 stars; one submission).

Conditions:
PLXNA3-related disorder. Also called: PLXNA3-related condition.

Submission:

PreventionGenetics, part of Exact Sciences
Classification: Uncertain significance for PLXNA3-related condition. Last evaluated: 2025-09-02. Review status: criteria provided, single submitter. Criteria: ACMG Guidelines, 2015. Collection method: clinical testing. Allele origin: germline.
Comment: The PLXNA3 c.2244+9C>G variant is predicted to interfere with splicing. This variant is predicted to alter splicing based on available splicing prediction software (SpliceAI, Jaganathan et al. 2019. PubMed ID: 30661751). However, the use of computer prediction softwares is not equivalent to functional evidence. To our knowledge, this variant has not been reported in the literature or in a large population database (gnomAD), indicating this variant is rare. At this time, the clinical significance of this variant is uncertain due to the absence of conclusive functional and genetic evidence.

NM_017514.5(PLXNA3):c.2244+9C>G

Gene: PLXNA3 (plexin A3; plus strand). Cytogenetic location: Xq28.
Variant type: single nucleotide variant.
Coding change: c.2244+9C>G on transcript NM_017514.5 (MANE Select); 9 bases into the intron after coding-DNA position 2244, C replaced by G.
Molecular consequence: intron variant.
Genome position (GRCh38, 1-based): chrX:154,465,227, C>G. VCF-style: chrX-154465227-C-G. GRCh37 (hg19) VCF-style: chrX-153693570-C-G.
Identifiers: ClinVar variation 4991755 (VCV004991755.1).